The following is an entry in ClinVar:

NM_004304.5(ALK):c.4165-6_4165-5delinsTA

Gene: ALK (ALK receptor tyrosine kinase; minus strand). Cytogenetic location: 2p23.2.
Variant type: Indel.
Coding change: c.4165-6_4165-5delinsTA on transcript NM_004304.5 (MANE Select); 6 bases into the intron before coding-DNA position 4165 through 5 bases into the intron before coding-DNA position 4165, CG replaced by TA.
Molecular consequence: intron variant.
Genome position (GRCh38, 1-based): chr2:29,193,927-29,193,928, CG replaced by TA on the plus strand (CG replaced by TA on the coding strand, the reverse complement: ALK is on the minus strand). VCF-style: chr2-29193927-CG-TA. GRCh37 (hg19) VCF-style: chr2-29416793-CG-TA.
Other names: c.961-6_961-5delinsTA (NM_001353765.2); c.4165-6_4165-5delCGinsTA (NM_004304.4).
Identifiers: ClinVar variation 3675583 (VCV003675583.3).

ClinVar aggregate classification (germline): Uncertain significance. Review status: criteria provided, multiple submitters, no conflicts (2 of 4 stars). 2 submissions from 2 submitters: Uncertain significance (2). Last evaluated 2026-01-11.

Conditions:
Hereditary cancer-predisposing syndrome. Also called: Hereditary Cancer Syndrome; Tumor predisposition; Hereditary neoplastic syndrome; Neoplastic Syndromes, Hereditary. Identifiers: Orphanet 140162, MedGen C0027672, MeSH D009386, MONDO:0015356.
Neuroblastoma, susceptibility to, 3. Also called: ALK-Related Neuroblastic Tumor Susceptibility. Identifiers: Orphanet 635, MedGen C2751681, MONDO:0013083, OMIM 613014.

Submissions (2):

Labcorp Genetics (formerly Invitae), Labcorp
Classification: Uncertain significance for Neuroblastoma, susceptibility to, 3. Last evaluated: 2026-01-11. Review status: criteria provided, single submitter. Criteria: Invitae Variant Classification Sherloc (09022015). Collection method: clinical testing. Allele origin: germline.
Comment: This sequence change falls in intron 28 of the ALK gene. It does not directly change the encoded amino acid sequence of the ALK protein. Information on the frequency of this variant in the gnomAD database is not available, as this variant may be reported differently in the database. This variant has not been reported in the literature in individuals affected with ALK-related conditions. ClinVar contains an entry for this variant (Variation ID: 3675583). Experimental studies and prediction algorithms are not available or were not evaluated, and the effect of this variant on mRNA splicing is currently unknown. In summary, the available evidence is currently insufficient to determine the role of this variant in disease. Therefore, it has been classified as a Variant of Uncertain Significance.

Ambry Genetics
Classification: Uncertain significance for Hereditary cancer-predisposing syndrome. Last evaluated: 2025-04-24. Review status: criteria provided, single submitter. Criteria: Ambry Variant Classification Scheme 2023. Collection method: clinical testing. Allele origin: germline.
Comment: The c.4165-6_4165-5delCGinsTA intronic variant, located in intron 28 of the ALK gene, results from an in-frame deletion of two nucleotides (CG) and the insertion of two nucleotides (TA) at nucleotide positions 4165-6 and 4165-5 before coding exon 29. These nucleotide positions are not well conserved in available vertebrate species. In silico splice site analysis predicts that this alteration will result in the creation or strengthening of a novel splice acceptor site. Based on the available evidence, the clinical significance of this variant remains unclear.